The following is an entry in ClinVar:

ClinVar aggregate classification (germline): Pathogenic. Review status: criteria provided, multiple submitters, no conflicts (2 of 4 stars). 2 submissions from 2 submitters: Pathogenic (2). Last evaluated 2024-12-26.

Conditions:
Cone-rod dystrophy 19 (CORD19). Identifiers: Orphanet 1872, MedGen C4014501, MONDO:0014372, OMIM 615860.

Submissions (2):

3billion
Classification: Pathogenic for Cone-rod dystrophy 19. Last evaluated: 2024-12-26. Review status: criteria provided, single submitter. Criteria: ACMG Guidelines, 2015. Collection method: clinical testing. Allele origin: germline. Affected: yes.
Comment: The variant is not observed in the gnomAD v4.1.0 dataset. Predicted Consequence/Location: Stop-gained (nonsense): predicted to result in a loss or disruption of normal protein function through nonsense-mediated decay (NMD) or protein truncation. Multiple pathogenic variants are reported downstream of the variant. The variant has been reported to be associated with TTLL5-related disorder (ClinVar ID: VCV002693054). Therefore, this variant is classified as Pathogenic according to the recommendation of ACMG/AMP guideline.

Labcorp Genetics (formerly Invitae), Labcorp
Classification: Pathogenic. Last evaluated: 2024-10-22. Review status: criteria provided, single submitter. Criteria: Invitae Variant Classification Sherloc (09022015). Collection method: clinical testing. Allele origin: germline.
Comment: This sequence change creates a premature translational stop signal (p.Trp32*) in the TTLL5 gene. It is expected to result in an absent or disrupted protein product. Loss-of-function variants in TTLL5 are known to be pathogenic (PMID: 24791901, 27162334). This variant is not present in population databases (gnomAD no frequency). This variant has not been reported in the literature in individuals affected with TTLL5-related conditions. For these reasons, this variant has been classified as Pathogenic.

Literature cited by the submitters: PubMed 24791901 (cited by Labcorp Genetics (formerly Invitae), Labcorp); PubMed 27162334 (cited by Labcorp Genetics (formerly Invitae), Labcorp).

NM_015072.5(TTLL5):c.95G>A (p.Trp32Ter)

Gene: TTLL5 (tubulin tyrosine ligase like 5; plus strand). Cytogenetic location: 14q24.3.
Variant type: single nucleotide variant.
Coding change: c.95G>A on transcript NM_015072.5 (MANE Select); coding-DNA position 95, G replaced by A.
Protein change: p.Trp32Ter; replaces tryptophan 32 with a stop codon.
Molecular consequence: nonsense.
Genome position (GRCh38, 1-based): chr14:75,669,436, G>A. VCF-style: chr14-75669436-G-A. GRCh37 (hg19) VCF-style: chr14-76135779-G-A.
Other names: short protein forms W32*.
Identifiers: ClinVar variation 2693054 (VCV002693054.4), dbSNP rs2504215863, ClinGen allele CA390465526.